The following is an entry in ClinVar:

NM_000179.3(MSH6):c.2214G>C (p.Val738=)

Gene: MSH6 (mutS homolog 6; plus strand). Cytogenetic location: 2p16.3.
Variant type: single nucleotide variant.
Coding change: c.2214G>C on transcript NM_000179.3 (MANE Select); coding-DNA position 2214, G replaced by C.
Protein change: p.Val738=; no amino-acid change (valine 738 retained).
Molecular consequence: synonymous variant. On other transcripts: non-coding transcript variant (5), intron variant (2).
Genome position (GRCh38, 1-based): chr2:47,800,197, G>C. VCF-style: chr2-47800197-G-C. GRCh37 (hg19) VCF-style: chr2-48027336-G-C.
Other names: c.1824G>C, p.Val608= (NM_001281492.2); c.1308G>C, p.Val436= (NM_001281493.2, NM_001281494.2, NM_001406811.1 and 6 more transcripts); c.2310G>C, p.Val770= (NM_001406795.1, NM_001406802.1); c.2214G>C, p.Val738= (NM_001406796.1, NM_001406798.1, NM_001406800.1 and 3 more transcripts); c.1917G>C, p.Val639= (NM_001406797.1, NM_001406801.1, NM_001406805.1 and 10 more transcripts); c.1689G>C, p.Val563= (NM_001406799.1, NM_001406806.1, NM_001406807.1); c.2136G>C, p.Val712= (NM_001406804.1); c.2220G>C, p.Val740= (NM_001406813.1); and 3 more.
Identifiers: ClinVar variation 1787814 (VCV001787814.3), dbSNP rs2104394501, ClinGen allele CA426121318.

ClinVar aggregate classification (germline): Benign/Likely benign. Review status: criteria provided, multiple submitters, no conflicts (2 of 4 stars). 2 submissions from 2 submitters: Benign (1); Likely benign (1). Last evaluated 2024-12-30.

Conditions:
Hereditary cancer-predisposing syndrome. Also called: Neoplastic Syndromes, Hereditary; Tumor predisposition; Hereditary Cancer Syndrome; Hereditary neoplastic syndrome. Identifiers: Orphanet 140162, MedGen C0027672, MeSH D009386, MONDO:0015356.
Lynch syndrome 5 (LYNCH5). Also called: Colorectal cancer, hereditary nonpolyposis, type 5; Hereditary non-polyposis colorectal cancer, type 5. Identifiers: Orphanet 144, MedGen C1833477, MONDO:0013710, OMIM 614350. Disease mechanism: loss of function.

Submissions (2):

Myriad Genetics, Inc.
Classification: Benign for Lynch syndrome 5. Last evaluated: 2024-12-30. Review status: criteria provided, single submitter. Criteria: Myriad Autosomal Dominant, Autosomal Recessive and X-Linked Classification Criteria (2023). Collection method: clinical testing. Allele origin: unknown.
Comment: This variant is considered benign. This variant is a silent/synonymous amino acid change and it is not expected to impact splicing.

Ambry Genetics
Classification: Likely benign for Hereditary cancer-predisposing syndrome. Last evaluated: 2022-03-02. Review status: criteria provided, single submitter. Criteria: Ambry Variant Classification Scheme 2023. Collection method: clinical testing. Allele origin: germline.